The following is an entry in ClinVar:

ClinVar aggregate classification (germline): Uncertain significance. Review status: criteria provided, multiple submitters, no conflicts (2 of 4 stars). 3 submissions from 3 submitters: Uncertain significance (3). Last evaluated 2026-04-28.

Conditions:
MYH9-related disorder. Identifiers: MedGen C1854520.
Macrothrombocytopenia and granulocyte inclusions with or without nephritis or sensorineural hearing loss (MATINS). Also called: SEBASTIAN PLATELET SYNDROME; MACROTHROMBOCYTOPENIA WITH DISPERSED LEUKOCYTIC INCLUSIONS; MACROTHROMBOCYTOPENIA, NEPHRITIS, AND DEAFNESS; MACROTHROMBOCYTOPENIA, NEPHRITIS, DEAFNESS, AND LEUKOCYTE INCLUSIONS; ALPORT SYNDROME WITH MACROTHROMBOCYTOPENIA; Fechtner syndrome. Identifiers: Orphanet 182050, MedGen C5200934, MONDO:0015912, OMIM 155100.
Autosomal dominant nonsyndromic hearing loss 17. Also called: Deafness, autosomal dominant 17; Autosomal dominant nonsyndromic deafness 17. Identifiers: Orphanet 90635, MedGen C1863659, MONDO:0011350, OMIM 603622.

Allele frequency attached by ClinVar (database versions not stated): TOPMed 0.00001; gnomAD exomes 0.00002 and 0.00003; gnomAD 0.00003; ExAC 0.00004.
gnomAD v4.1: 33 of 1,613,934 alleles (0.002%); highest among the groups gnomAD compares: African/African-American, 0.0027%; no homozygotes.

Submissions (3):

PreventionGenetics, part of Exact Sciences
Classification: Uncertain significance for MYH9-related condition. Last evaluated: 2026-04-28. Review status: criteria provided, single submitter. Criteria: ACMG Guidelines, 2015. Collection method: clinical testing. Allele origin: germline.
Comment: The MYH9 c.4897C>T variant is predicted to result in the amino acid substitution p.Arg1633Trp. To our knowledge, this variant has not been reported in the literature in MYH9 related disorder. This variant is reported in 0.0046% of alleles in individuals of European (Non-Finnish) descent in gnomAD. At this time, the clinical significance of this variant is uncertain due to the absence of conclusive functional and genetic evidence.

Labcorp Genetics (formerly Invitae), Labcorp
Classification: Uncertain significance. Last evaluated: 2025-12-01. Review status: criteria provided, single submitter. Criteria: Invitae Variant Classification Sherloc (09022015). Collection method: clinical testing. Allele origin: germline.
Comment: This sequence change replaces arginine, which is basic and polar, with tryptophan, which is neutral and slightly polar, at codon 1633 of the MYH9 protein (p.Arg1633Trp). This variant is present in population databases (rs757547632, gnomAD 0.005%). This variant has not been reported in the literature in individuals affected with MYH9-related conditions. ClinVar contains an entry for this variant (Variation ID: 1524931). Invitae Evidence Modeling of protein sequence and biophysical properties (such as structural, functional, and spatial information, amino acid conservation, physicochemical variation, residue mobility, and thermodynamic stability) has been performed for this missense variant. However, the output from this modeling did not meet the statistical confidence thresholds required to predict the impact of this variant on MYH9 protein function. In summary, the available evidence is currently insufficient to determine the role of this variant in disease. Therefore, it has been classified as a Variant of Uncertain Significance.

Fulgent Genetics
Classification: Uncertain significance for Macrothrombocytopenia and granulocyte inclusions with or without nephritis or sensorineural hearing loss; Autosomal dominant nonsyndromic hearing loss 17. Last evaluated: 2024-03-09. Review status: criteria provided, single submitter. Criteria: ACMG Guidelines, 2015. Collection method: clinical testing. Allele origin: germline.

NM_002473.6(MYH9):c.4897C>T (p.Arg1633Trp)

Gene: MYH9 (myosin heavy chain 9; minus strand). Cytogenetic location: 22q12.3.
Variant type: single nucleotide variant.
Coding change: c.4897C>T on transcript NM_002473.6 (MANE Select); coding-DNA position 4897, C replaced by T.
Protein change: p.Arg1633Trp; replaces arginine 1633 with tryptophan.
Molecular consequence: missense variant.
Genome position (GRCh38, 1-based): chr22:36,288,287, G>A on the plus strand (C>T on the coding strand, the complement: MYH9 is on the minus strand). VCF-style: chr22-36288287-G-A. GRCh37 (hg19) VCF-style: chr22-36684333-G-A.
Other names: c.4897C>T (NM_002473.5); short protein forms R1633W.
Identifiers: ClinVar variation 1524931 (VCV001524931.11), dbSNP rs757547632, ClinGen allele CA10209265.